The following is an entry in ClinVar:

ClinVar aggregate classification (germline): Uncertain significance (1 of 4 stars; one submission).

Conditions:
Neuropathy, hereditary sensory and autonomic, type 2A (HSAN2A). Also called: ACROOSTEOLYSIS, NEUROGENIC; ACROOSTEOLYSIS, GIACCAI TYPE; MORVAN DISEASE; NEUROPATHY, CONGENITAL SENSORY; NEUROPATHY, HEREDITARY SENSORY RADICULAR, AUTOSOMAL RECESSIVE; NEUROPATHY, HEREDITARY SENSORY, TYPE IIA. Identifiers: Orphanet 970, MedGen C2752089, MONDO:0024309, OMIM 201300.
Generalized epilepsy with febrile seizures plus, type 7 (GEFSP7). Also called: GEFS+, TYPE 7. Identifiers: Orphanet 36387, MedGen C2751778, MONDO:0013470, OMIM 613863.

Submission:

Labcorp Genetics (formerly Invitae), Labcorp
Classification: Uncertain significance for Neuropathy, hereditary sensory and autonomic, type 2A; Generalized epilepsy with febrile seizures plus, type 7. Last evaluated: 2017-06-26. Review status: criteria provided, single submitter. Criteria: Invitae Variant Classification Sherloc (09022015). Collection method: clinical testing. Allele origin: germline.
Comment: This sequence change replaces aspartic acid with glycine at codon 345 of the SCN9A protein (p.Asp345Gly). The aspartic acid residue is highly conserved and there is a moderate physicochemical difference between aspartic acid and glycine. This variant is not present in population databases (ExAC no frequency). This variant has not been reported in the literature in individuals with SCN9A-related disease. Algorithms developed to predict the effect of missense changes on protein structure and function (SIFT, PolyPhen-2, Align-GVGD) all suggest that this variant is likely to be disruptive, but these predictions have not been confirmed by published functional studies and their clinical significance is uncertain. In summary, the available evidence is currently insufficient to determine the role of this variant in disease. Therefore, it has been classified as a Variant of Uncertain Significance.

NM_001365536.1(SCN9A):c.1034A>G (p.Asp345Gly)

Genes: SCN1A-AS1 (SCN1A and SCN9A antisense RNA 1; plus strand), SCN9A (sodium voltage-gated channel alpha subunit 9; minus strand). Cytogenetic location: 2q24.3.
Variant type: single nucleotide variant.
Coding change: c.1034A>G on transcript NM_001365536.1 (MANE Select); coding-DNA position 1034, A replaced by G.
Protein change: p.Asp345Gly; replaces aspartic acid 345 with glycine.
Molecular consequence: missense variant.
Genome position (GRCh38, 1-based): chr2:166,293,304, T>C on the plus strand (A>G on the coding strand, the complement: SCN9A is on the minus strand). VCF-style: chr2-166293304-T-C. GRCh37 (hg19) VCF-style: chr2-167149814-T-C.
Other names: c.1034A>G, p.Asp345Gly (NM_002977.4); short protein forms D345G.
Identifiers: ClinVar variation 471077 (VCV000471077.9), dbSNP rs1553492443, ClinGen allele CA349089105.